The following is an entry in ClinVar:

NM_006070.6(TFG):c.854C>T (p.Pro285Leu)

Gene: TFG (trafficking from ER to golgi regulator; plus strand). Cytogenetic location: 3q12.2.
Variant type: single nucleotide variant.
Coding change: c.854C>T on transcript NM_006070.6 (MANE Select); coding-DNA position 854, C replaced by T.
Protein change: p.Pro285Leu; replaces proline 285 with leucine.
Molecular consequence: missense variant.
Genome position (GRCh38, 1-based): chr3:100,748,182, C>T. VCF-style: chr3-100748182-C-T. GRCh37 (hg19) VCF-style: chr3-100467026-C-T.
Other names: c.854C>T, p.Pro285Leu (NM_001007565.2, NM_001195478.2); c.842C>T, p.Pro281Leu (NM_001195479.2); short protein forms P285L, P281L.
Identifiers: ClinVar variation 37089 (VCV000037089.14), dbSNP rs207482230, ClinGen allele CA130077.

ClinVar aggregate classification (germline): Pathogenic/Likely pathogenic. Review status: criteria provided, multiple submitters, no conflicts (2 of 4 stars). 8 submissions from 8 submitters: Pathogenic (5); Likely pathogenic (2). 1 of the submissions does not count toward it. Last evaluated 2025-01-22.

Conditions:
Amyotrophic Lateral Sclerosis with Sensory Neuropathy.
Hereditary spastic paraplegia 57. Also called: Spastic paraplegia 57, autosomal recessive. Identifiers: Orphanet 431329, MedGen C3714897, MONDO:0014295, OMIM 615658.
Hereditary motor and sensory neuropathy, Okinawa type (HMSNO). Also called: HEREDITARY MOTOR AND SENSORY NEUROPATHY, PROXIMAL TYPE. Identifiers: Orphanet 90117, MedGen C1858338, MONDO:0011468, OMIM 604484.

Allele frequency attached by ClinVar (database versions not stated): gnomAD exomes below 0.00001.

Submissions (8):

3billion
Classification: Pathogenic for Hereditary motor and sensory neuropathy, Okinawa type. Last evaluated: 2025-01-22. Review status: criteria provided, single submitter. Criteria: ACMG Guidelines, 2015. Collection method: clinical testing. Allele origin: germline. Affected: yes.
Comment: The variant is not observed in the gnomAD v4.1.0 dataset. Predicted Consequence/Location: Missense variant. Missense changes are a common disease-causing mechanism. Functional studies provide moderate evidence of the variant having a damaging effect on the gene or gene product (PMID: 22883144). In silico tool predictions suggest damaging effect of the variant on gene or gene product [3Cnet: 0.86 (>=0.6, sensitivity 0.72 and precision 0.9)]. The same nucleotide change resulting in the same amino acid change has been previously reported as pathogenic/likely pathogenic with strong evidence (ClinVar ID: VCV000037089 /PMID: 22883144). The variant has been reported to co-segregate with the disease in at least 7 similarly affected relatives/individuals in at least two unrelated families (PMID: 22883144). Therefore, this variant is classified as Pathogenic according to the recommendation of ACMG/AMP guideline.

Labcorp Genetics (formerly Invitae), Labcorp
Classification: Pathogenic for Hereditary motor and sensory neuropathy, Okinawa type; Hereditary spastic paraplegia 57. Last evaluated: 2023-06-08. Review status: criteria provided, single submitter. Criteria: Invitae Variant Classification Sherloc (09022015). Collection method: clinical testing. Allele origin: germline.
Comment: This variant is present in population databases (rs207482230, gnomAD 0.0009%). This sequence change replaces proline, which is neutral and non-polar, with leucine, which is neutral and non-polar, at codon 285 of the TFG protein (p.Pro285Leu). This missense change has been observed in individuals with hereditary motor and sensory neuropathy with proximal dominant involvement (HMSN-P) (PMID: 22883144, 23553329, 25725944). It has also been observed to segregate with disease in related individuals. For these reasons, this variant has been classified as Pathogenic. Experimental studies have shown that this missense change affects TFG function (PMID: 22883144, 24613659, 28196470). Advanced modeling of protein sequence and biophysical properties (such as structural, functional, and spatial information, amino acid conservation, physicochemical variation, residue mobility, and thermodynamic stability) performed at Invitae indicates that this missense variant is not expected to disrupt TFG protein function. ClinVar contains an entry for this variant (Variation ID: 37089).

Suna and Inan Kirac Foundation Neurodegeneration Research Laboratory, Koc University
Classification: Likely pathogenic for Amyotrophic Lateral Sclerosis with Sensory Neuropathy. Last evaluated: 2020-03-31. Review status: criteria provided, single submitter. Criteria: ACMG Guidelines, 2015. Collection method: research. Allele origin: germline. Affected: yes. Observed: 4 variant alleles.

Mendelics
Classification: Pathogenic for Hereditary motor and sensory neuropathy, Okinawa type. Last evaluated: 2019-05-28. Review status: criteria provided, single submitter. Criteria: Mendelics Assertion Criteria 2017. Collection method: clinical testing. Allele origin: unknown.

Laboratorio de Genetica e Diagnostico Molecular, Hospital Israelita Albert Einstein
Classification: Likely pathogenic. Last evaluated: 2019-04-05. Review status: criteria provided, single submitter. Criteria: ACMG Guidelines, 2015. Collection method: clinical testing. Allele origin: germline. Affected: yes.
Comment: ACMG classification criteria: PS3, PM2, PP1

GeneDx
Classification: Pathogenic. Last evaluated: 2016-02-29. Review status: criteria provided, single submitter. Criteria: GeneDx Variant Classification (06012015). Collection method: clinical testing. Allele origin: germline. Affected: yes.
Comment: The P285L missense variant in the TFG gene has been previously reported to segregate with proximal hereditary motor and sensory neuropathy (HMSN-P) in several large families (Lee et al., 2013, Ishiura et al., 2012, Alavi et al., 2015). Functional studies demonstrate the P285L disrupts the protein and leads to inclusion body formation in cultured cells (Ishiura et al., 2012). It was not observed in approximately 6,500 individuals of European and African American ancestry in the NHLBI Exome Sequencing Project, indicating it is not a common benign variant in these populations. The P285L variant is a semi-conservative amino acid substitution, which may impact secondary protein structure as these residues differ in some properties. This substitution occurs at a position that is conserved in mammals.

Lupski Lab, Baylor-Hopkins CMG, Baylor College of Medicine
Classification: Pathogenic for Hereditary motor and sensory neuropathy, Okinawa type. Last evaluated: 2015-08-18. Review status: criteria provided, single submitter. Criteria: Ishiura et al. (Am J Hum Genet. 2012). Collection method: research. Allele origin: germline. Inheritance: Autosomal dominant inheritance. Affected: yes. Observed: 1 variant allele, 1 heterozygote.

OMIM
Classification: Pathogenic for HEREDITARY MOTOR AND SENSORY NEUROPATHY, OKINAWA TYPE. Last evaluated: 2013-05-01. Review status: no assertion criteria provided. Collection method: literature only. Allele origin: germline. Not counted in ClinVar's aggregate classification.

Literature cited by the submitters: PubMed 22883144 (cited by 3 submitters); PubMed 23553329 (cited by Labcorp Genetics (formerly Invitae), Labcorp and OMIM); PubMed 25725944 (cited by Labcorp Genetics (formerly Invitae), Labcorp); PubMed 24613659 (cited by Labcorp Genetics (formerly Invitae), Labcorp); PubMed 28196470 (cited by Labcorp Genetics (formerly Invitae), Labcorp); PubMed 26257172 (cited by Lupski Lab, Baylor-Hopkins CMG, Baylor College of Medicine).